The following continues an entry in ClinVar:

NM_001048174.2(MUTYH):c.1424G>A (p.Gly475Glu)

Gene: MUTYH. ClinVar aggregate classification (germline): Conflicting classifications of pathogenicity. Uncertain significance (14); Likely benign (2).

Submissions 10 to 18 of 18:

All of Us Research Program, National Institutes of Health
Classification: Uncertain significance for Familial adenomatous polyposis 2. Last evaluated: 2024-02-05. Review status: criteria provided, single submitter. Criteria: ACMG Guidelines, 2015. Collection method: clinical testing. Allele origin: germline. Inheritance: Autosomal recessive inheritance. Observed: 32 variant alleles, 32 heterozygotes.
Comment: This missense variant replaces glycine with glutamic acid at codon 503 of the MUTYH protein. This variant is also known as c.1466G>A (p.Gly489Glu) based on an alternative transcript (NM_001048171). Computational prediction suggests that this variant may not impact protein structure and function (internally defined REVEL score threshold <= 0.5, PMID: 27666373). A functional study has reported this variant as causing partial loss of MUTYH function in an bacterial complementation assay (PMID: 25820570). This variant has been reported in an individual affected with Lynch syndrome associated cancer and/or colorectal polyps (PMID: 25980754). This variant has been identified in 60/274602 chromosomes (56/24032 African chromosomes) in the general population by the Genome Aggregation Database (gnomAD). The available evidence is insufficient to determine the role of this variant in disease conclusively. Therefore, this variant is classified as a Variant of Uncertain Significance.

This study involves interpretation of variants in research participants for the purpose of population health screening. Participant phenotype was not available at the time of variant classification. Additional details can be found in publication PMID: 35346344, PMCID: PMC8962531

Mendelics
Classification: Likely benign for Hereditary cancer. Last evaluated: 2024-01-23. Review status: criteria provided, single submitter. Criteria: ACMG Guidelines, 2015. Collection method: clinical testing. Allele origin: unknown.

Sema4
Classification: Uncertain significance for Hereditary cancer-predisposing syndrome. Last evaluated: 2022-01-26. Review status: criteria provided, single submitter. Criteria: Sema4 Curation Guidelines. Collection method: curation. Allele origin: germline.
Comment: The MUTYH c.1508G>A (p.G503E) variant has been reported in individuals diagnosed with breast cancer and/or endometrial cancer, and in at least one individual with suspected Lynch Syndrome (PMID: 25980754, 25186627, 26689913). It has also been reported in healthy individuals (PMID: 24728327, 30122538). It was observed in 56/24032 chromosomes in the African/African American subpopulation, with one homozygote, in the large and broad cohorts of the Genome Aggregation Database (PMID: 32461654). The variant has been reported in ClinVar (Variation ID: 134866). Functional studies in E. coli found this variant to be partially defective (PMID: 25820570). In silico predictions of the variant's effect on protein function are inconclusive. The evidence is insufficient to meet ACMG/AMP criteria for classifying the variant as benign or pathogenic. Thus, the clinical significance of this variant is currently uncertain.

Ambry Genetics
Classification: Likely benign for Hereditary cancer-predisposing syndrome. Last evaluated: 2021-07-26. Review status: criteria provided, single submitter. Criteria: Ambry Variant Classification Scheme 2023. Collection method: clinical testing. Allele origin: germline.

Baylor Genetics
Classification: Uncertain significance for Familial adenomatous polyposis 2. Last evaluated: 2020-01-22. Review status: criteria provided, single submitter. Criteria: ACMG Guidelines, 2015. Collection method: clinical testing. Allele origin: unknown. Affected: yes. Study: CSER-TexasKidsCanSeq.
Comment: This variant was determined to be of uncertain significance according to ACMG Guidelines, 2015 [PMID:25741868].

Laboratory for Molecular Medicine, Mass General Brigham Personalized Medicine
Classification: Uncertain significance. Last evaluated: 2018-07-25. Review status: criteria provided, single submitter. Criteria: LMM Criteria. Collection method: clinical testing. Allele origin: germline. Inheritance: Autosomal recessive inheritance. Observed: 1 variant allele.
Comment: The p.Gly503Glu variant in MUTYH has been reported in one individual with clinic al features of Lynch Syndrome as well as in one young reportedly healthy individ ual (Bodian 2014). This variant has also been reported by other clinical laborat ories in Clinvar (Variation ID: 134866) and has been identified in 0.22% (51/231 22) of African chromosomes by the Genome Aggregation Database (gnomAD; dbSNP rs3219494). Although this variant has been seen i n the general population, its frequency is not high enough to rule out a pathoge nic role. In vitro functional studies provide some evidence that the p.Gly503Glu variant may impact protein function (Komine 2015). Additionally, computational prediction tools and conservation analysis do not provide strong support for or against an impact to the protein. In summary, the clinical significance of the p .Gly503Glu variant is uncertain. ACMG/AMP Criteria applied: PS3_Supporting.

Illumina Laboratory Services, Illumina
Classification: Uncertain significance for Familial adenomatous polyposis 2. Last evaluated: 2018-01-13. Review status: criteria provided, single submitter. Criteria: ICSL Variant Classification Criteria 13 December 2019. Collection method: clinical testing. Allele origin: germline.

Counsyl
Classification: Uncertain significance for Familial adenomatous polyposis 2. Last evaluated: 2016-04-13. Review status: no assertion criteria provided. Collection method: clinical testing. Allele origin: unknown. Not counted in ClinVar's aggregate classification.

ITMI
No classification provided. Condition: AllHighlyPenetrant. Last evaluated: 2013-09-19. Review status: no classification provided. Collection method: reference population. Allele origin: germline. Not counted in ClinVar's aggregate classification.
Comment: Please see associated publication for description of ethnicities

Literature cited by the submitters: PubMed 24728327 (cited by 7 submitters); PubMed 25980754 (cited by 9 submitters); PubMed 25820570 (cited by 9 submitters); PubMed 25186627 (cited by 3 submitters); PubMed 26689913 (cited by 6 submitters); PubMed 35264596 (cited by 3 submitters); PubMed 34816434 (cited by Women's Health and Genetics/Laboratory Corporation of America, LabCorp and Quest Diagnostics Nichols Institute San Juan Capistrano); PubMed 32868316 (cited by Women's Health and Genetics/Laboratory Corporation of America, LabCorp and Quest Diagnostics Nichols Institute San Juan Capistrano); PubMed 35534704 (cited by 4 submitters); PubMed 30122538 (cited by Quest Diagnostics Nichols Institute San Juan Capistrano and Sema4); PubMed 38874686 (cited by Quest Diagnostics Nichols Institute San Juan Capistrano); PubMed 21153778 (cited by Counsyl).